The following is an entry in ClinVar:

ClinVar aggregate classification (germline): Benign. Review status: criteria provided, multiple submitters, no conflicts (2 of 4 stars). 3 submissions from 3 submitters: Benign (3). Last evaluated 2018-06-19.

Conditions:
Anophthalmia-microphthalmia syndrome. Also called: Anophthalmia/Microphthalmia; Anophthalmia - microphthalmia. Identifiers: Orphanet 98555, MedGen C5680330, MONDO:0020147.

Allele frequency attached by ClinVar (database versions not stated): 1000 Genomes Project 0.80331; 1000 Genomes Project 30x 0.80621; TOPMed 0.85078; gnomAD 0.85940 and 0.86204.
gnomAD v4.1: 1,262,415 of 1,409,914 alleles (90%); highest among the groups gnomAD compares: Non-Finnish European, 92%; 568,049 homozygotes.

Submissions (3):

GeneDx
Classification: Benign. Last evaluated: 2018-06-19. Review status: criteria provided, single submitter. Criteria: GeneDx Variant Classification Process June 2021. Collection method: clinical testing. Allele origin: germline. Affected: yes.

Illumina Laboratory Services, Illumina
Classification: Benign for Anophthalmia-microphthalmia syndrome. Last evaluated: 2018-01-13. Review status: criteria provided, single submitter. Criteria: ICSL Variant Classification Criteria 13 December 2019. Collection method: clinical testing. Allele origin: germline.
Comment: This variant was observed in the ICSL laboratory as part of a predisposition screen in an ostensibly healthy population. It had not been previously curated by ICSL or reported in the Human Gene Mutation Database (HGMD: prior to June 1st, 2018), and was therefore a candidate for classification through an automated scoring system. Utilizing variant allele frequency, disease prevalence and penetrance estimates, and inheritance mode, an automated score was calculated to assess if this variant is too frequent to cause the disease. Based on the score and internal cut-off values, a variant classified as benign is not then subjected to further curation. The score for this variant resulted in a classification of benign for this disease.

Breakthrough Genomics
Classification: Benign. Review status: criteria provided, single submitter. Criteria: ACMG Guidelines, 2015. Collection method: not provided. Allele origin: germline. Inheritance: Autosomal recessive inheritance. Affected: yes.

NM_007374.3(SIX6):c.*101C>G

Genes: C14orf39 (chromosome 14 open reading frame 39; minus strand), SIX6 (SIX homeobox 6; plus strand). Cytogenetic location: 14q23.1.
Variant type: single nucleotide variant.
Coding change: c.*101C>G on transcript NM_007374.3 (MANE Select); 101 bases downstream of the stop codon, C replaced by G.
Molecular consequence: 3 prime UTR variant.
Genome position (GRCh38, 1-based): chr14:60,511,353, C>G. VCF-style: chr14-60511353-C-G. GRCh37 (hg19) VCF-style: chr14-60978071-C-G.
Identifiers: ClinVar variation 313436 (VCV000313436.9), dbSNP rs1061108, ClinGen allele CA10640376.
Genomic context (GRCh38, chr14:60,511,353, plus strand): 5'-AAACGAGAAAAACAAAATGAAAGAGGGGAAGAAGATGAGAGACCTGCAAATCCAGCGCCA[C>G]AGAAGCCAGGTGACCAGGGACCCGCGGGCTCGGGTTGCCGTTTCCCGCCCCACCCCGCGG-3'